The following is an entry in ClinVar:

ClinVar aggregate classification (germline): Uncertain significance (1 of 4 stars; one submission).

Conditions:
Hereditary breast ovarian cancer syndrome. Also called: Hereditary breast and ovarian cancer syndrome; Hereditary breast and ovarian cancer syndrome (HBOC); BRCA1- and BRCA2-Associated Hereditary Breast and Ovarian Cancer; Hereditary breast and ovarian cancer; Breast and ovarian cancer; Hereditary breast and/or ovarian cancer syndrome. Identifiers: Orphanet 145, MedGen C0677776, MeSH D061325, MONDO:0003582. Disease mechanism: loss of function.

Submission:

Labcorp Genetics (formerly Invitae), Labcorp
Classification: Uncertain significance for Hereditary breast ovarian cancer syndrome. Last evaluated: 2025-01-27. Review status: criteria provided, single submitter. Criteria: Invitae Variant Classification Sherloc (09022015). Collection method: clinical testing. Allele origin: germline.
Comment: This sequence change replaces phenylalanine, which is neutral and non-polar, with leucine, which is neutral and non-polar, at codon 3273 of the BRCA2 protein (p.Phe3273Leu). This variant is not present in population databases (gnomAD no frequency). This variant has not been reported in the literature in individuals affected with BRCA2-related conditions. Invitae Evidence Modeling of protein sequence and biophysical properties (such as structural, functional, and spatial information, amino acid conservation, physicochemical variation, residue mobility, and thermodynamic stability) indicates that this missense variant is not expected to disrupt BRCA2 protein function with a negative predictive value of 95%. In summary, the available evidence is currently insufficient to determine the role of this variant in disease. Therefore, it has been classified as a Variant of Uncertain Significance.

NM_000059.4(BRCA2):c.9819C>A (p.Phe3273Leu)

Gene: BRCA2 (BRCA2 DNA repair associated; plus strand). Cytogenetic location: 13q13.1.
Variant type: single nucleotide variant.
Coding change: c.9819C>A on transcript NM_000059.4 (MANE Select); coding-DNA position 9819, C replaced by A.
Protein change: p.Phe3273Leu; replaces phenylalanine 3273 with leucine.
Molecular consequence: missense variant. On other transcripts: non-coding transcript variant (1).
Genome position (GRCh38, 1-based): chr13:32,398,332, C>A. VCF-style: chr13-32398332-C-A. GRCh37 (hg19) VCF-style: chr13-32972469-C-A.
Other names: c.9723C>A, p.Phe3241Leu (NM_001406719.1); c.9768C>A, p.Phe3256Leu (NM_001406720.1); c.4887C>A, p.Phe1629Leu (NM_001406721.1); c.3402C>A, p.Phe1134Leu (NM_001406722.1); c.9819C>A, p.Phe3273Leu (NM_001432077.1); short protein forms F1134L, F3273L, F1629L, F3256L, F3241L.
Identifiers: ClinVar variation 3636569 (VCV003636569.2).